The following is an entry in ClinVar:

ClinVar aggregate classification (germline): Uncertain significance (1 of 4 stars; one submission).

Allele frequency attached by ClinVar (database versions not stated): gnomAD exomes below 0.00001.
gnomAD v4.1: 1 of 1,614,110 alleles (0.000062%); highest among the groups gnomAD compares: South Asian, 0.0011%; no homozygotes.

Submission:

Labcorp Genetics (formerly Invitae), Labcorp
Classification: Uncertain significance. Last evaluated: 2021-08-26. Review status: criteria provided, single submitter. Criteria: Invitae Variant Classification Sherloc (09022015). Collection method: clinical testing. Allele origin: germline.
Comment: In summary, the available evidence is currently insufficient to determine the role of this variant in disease. Therefore, it has been classified as a Variant of Uncertain Significance. Algorithms developed to predict the effect of missense changes on protein structure and function output the following: SIFT: "Tolerated"; PolyPhen-2: "Benign"; Align-GVGD: "Class C0". The leucine amino acid residue is found in multiple mammalian species, which suggests that this missense change does not adversely affect protein function. This variant has not been reported in the literature in individuals affected with TRPM1-related conditions. This variant is not present in population databases (ExAC no frequency). This sequence change replaces phenylalanine with leucine at codon 772 of the TRPM1 protein (p.Phe772Leu). The phenylalanine residue is moderately conserved and there is a small physicochemical difference between phenylalanine and leucine.

NM_001252024.2(TRPM1):c.2382C>A (p.Phe794Leu)

Gene: TRPM1 (transient receptor potential cation channel subfamily M member 1; minus strand). Cytogenetic location: 15q13.3.
Variant type: single nucleotide variant.
Coding change: c.2382C>A on transcript NM_001252024.2 (MANE Select); coding-DNA position 2382, C replaced by A.
Protein change: p.Phe794Leu; replaces phenylalanine 794 with leucine.
Molecular consequence: missense variant.
Genome position (GRCh38, 1-based): chr15:31,038,101, G>T on the plus strand (C>A on the coding strand, the complement: TRPM1 is on the minus strand). VCF-style: chr15-31038101-G-T. GRCh37 (hg19) VCF-style: chr15-31330304-G-T.
Other names: c.2433C>A, p.Phe811Leu (NM_001252020.2); c.2316C>A, p.Phe772Leu (NM_002420.6); short protein forms F772L, F794L, F811L.
Identifiers: ClinVar variation 1377676 (VCV001377676.6), dbSNP rs1422427102, ClinGen allele CA391547354.